The following is an entry in ClinVar:

NM_001130969.3(NSMF):c.1404C>A (p.Asn468Lys)

Genes: NSMF (NMDA receptor synaptonuclear signaling and neuronal migration factor; minus strand), LOC126860797 (MED14-independent group 3 enhancer GRCh37_chr9:140343721-140344920; plus strand). Cytogenetic location: 9q34.3.
Variant type: single nucleotide variant.
Coding change: c.1404C>A on transcript NM_001130969.3 (MANE Select); coding-DNA position 1404, C replaced by A.
Protein change: p.Asn468Lys; replaces asparagine 468 with lysine.
Molecular consequence: missense variant.
Genome position (GRCh38, 1-based): chr9:137,449,938, G>T on the plus strand (C>A on the coding strand, the complement: NSMF is on the minus strand). VCF-style: chr9-137449938-G-T. GRCh37 (hg19) VCF-style: chr9-140344390-G-T.
Other names: c.1335C>A, p.Asn445Lys (NM_001130970.2); c.1329C>A, p.Asn443Lys (NM_001130971.2); c.1314C>A, p.Asn438Lys (NM_001178064.2); c.1398C>A, p.Asn466Lys (NM_015537.5); short protein forms N466K, N468K, N438K, N443K, N445K.
Identifiers: ClinVar variation 450266 (VCV000450266.2), dbSNP rs748795896, ClinGen allele CA375754292.

ClinVar aggregate classification (germline): Uncertain significance (1 of 4 stars; one submission).

Submission:

GeneDx
Classification: Uncertain significance. Last evaluated: 2017-06-30. Review status: criteria provided, single submitter. Criteria: GeneDx Variant Classification (06012015). Collection method: clinical testing. Allele origin: germline. Affected: yes.
Comment: The N466K variant has not been published as a pathogenic variant, nor has it been reported as a benign variant to our knowledge. The variant is not observed in large population cohorts (Lek et al., 2016; 1000 Genomes Consortium et al., 2015; Exome Variant Server). N466K is a semi-conservative amino acid substitution, which may impact secondary protein structure as these residues differ in some properties. This substitution occurs at a position that is conserved across species, and in silico analysis predicts this variant is probably damaging to the protein structure/function. In summary, based on the currently available information, it is unclear whether this variant is a pathogenic variant or a rare benign variant.